The following is an entry in ClinVar:

NM_001165963.4(SCN1A):c.5813C>A (p.Ala1938Asp)

Genes: SCN1A (sodium voltage-gated channel alpha subunit 1; minus strand), LOC102724058 (uncharacterized LOC102724058; plus strand). Cytogenetic location: 2q24.3.
Variant type: single nucleotide variant.
Coding change: c.5813C>A on transcript NM_001165963.4 (MANE Select); coding-DNA position 5813, C replaced by A.
Protein change: p.Ala1938Asp; replaces alanine 1938 with aspartic acid.
Molecular consequence: missense variant. On other transcripts: non-coding transcript variant (1).
Genome position (GRCh38, 1-based): chr2:165,991,462, G>T on the plus strand (C>A on the coding strand, the complement: SCN1A is on the minus strand). VCF-style: chr2-165991462-G-T. GRCh37 (hg19) VCF-style: chr2-166847972-G-T.
Other names: c.5729C>A, p.Ala1910Asp (NM_001165964.3, NM_001353957.2, NM_001353958.2); c.5813C>A, p.Ala1938Asp (NM_001202435.3, NM_001353948.2); c.5780C>A, p.Ala1927Asp (NM_001353949.2, NM_001353950.2, NM_001353951.2 and 2 more transcripts); c.5777C>A, p.Ala1926Asp (NM_001353954.2, NM_001353955.2); c.5726C>A, p.Ala1909Asp (NM_001353960.2); c.3371C>A, p.Ala1124Asp (NM_001353961.2); short protein forms A1124D, A1909D, A1910D, A1926D, A1927D, A1938D.
Identifiers: ClinVar variation 3369885 (VCV003369885.1).

ClinVar aggregate classification (germline): Uncertain significance (1 of 4 stars; one submission).

Submission:

GeneDx
Classification: Uncertain significance. Last evaluated: 2024-02-28. Review status: criteria provided, single submitter. Criteria: GeneDx Variant Classification Process June 2021. Collection method: clinical testing. Allele origin: germline. Affected: yes.
Comment: Not observed at significant frequency in large population cohorts (gnomAD); In silico analysis supports that this missense variant has a deleterious effect on protein structure/function; Has not been previously published as pathogenic or benign to our knowledge